The following is an entry in ClinVar:

NM_001303256.3(MORC2):c.493T>C (p.Phe165Leu)

Gene: MORC2 (MORC family CW-type zinc finger 2; minus strand). Cytogenetic location: 22q12.2.
Variant type: single nucleotide variant.
Coding change: c.493T>C on transcript NM_001303256.3 (MANE Select); coding-DNA position 493, T replaced by C.
Protein change: p.Phe165Leu; replaces phenylalanine 165 with leucine.
Molecular consequence: missense variant.
Genome position (GRCh38, 1-based): chr22:30,942,205, A>G on the plus strand (T>C on the coding strand, the complement: MORC2 is on the minus strand). VCF-style: chr22-30942205-A-G. GRCh37 (hg19) VCF-style: chr22-31338192-A-G.
Other names: c.493T>C, p.Phe165Leu (NM_001303257.2); c.307T>C, p.Phe103Leu (NM_014941.3); short protein forms F103L, F165L.
Identifiers: ClinVar variation 661915 (VCV000661915.9), dbSNP rs1602491814, ClinGen allele CA411243853.

ClinVar aggregate classification (germline): Uncertain significance (1 of 4 stars; one submission).

Conditions:
Charcot-Marie-Tooth disease axonal type 2Z. Also called: CHARCOT-MARIE-TOOTH DISEASE, AXONAL, AUTOSOMAL DOMINANT, TYPE 2Z; CHARCOT-MARIE-TOOTH NEUROPATHY, TYPE 2Z. Identifiers: Orphanet 466768, MedGen C5569025, MONDO:0014736, OMIM 616688.

Allele frequency attached by ClinVar (database versions not stated): gnomAD 0.00001; TOPMed 0.00001.
gnomAD v4.1: 1 of 1,613,950 alleles (0.000062%); highest among the groups gnomAD compares: Non-Finnish European, 0.000085%; no homozygotes.

Submission:

Labcorp Genetics (formerly Invitae), Labcorp
Classification: Uncertain significance for Charcot-Marie-Tooth disease axonal type 2Z. Last evaluated: 2023-12-11. Review status: criteria provided, single submitter. Criteria: Invitae Variant Classification Sherloc (09022015). Collection method: clinical testing. Allele origin: germline.
Comment: This sequence change replaces phenylalanine, which is neutral and non-polar, with leucine, which is neutral and non-polar, at codon 165 of the MORC2 protein (p.Phe165Leu). This variant is not present in population databases (gnomAD no frequency). This variant has not been reported in the literature in individuals affected with MORC2-related conditions. ClinVar contains an entry for this variant (Variation ID: 661915). Advanced modeling of protein sequence and biophysical properties (such as structural, functional, and spatial information, amino acid conservation, physicochemical variation, residue mobility, and thermodynamic stability) has been performed at Invitae for this missense variant, however the output from this modeling did not meet the statistical confidence thresholds required to predict the impact of this variant on MORC2 protein function. In summary, the available evidence is currently insufficient to determine the role of this variant in disease. Therefore, it has been classified as a Variant of Uncertain Significance.